The following is an entry in ClinVar:

ClinVar aggregate classification (germline): Uncertain significance (1 of 4 stars; one submission).

Submission:

GeneDx
Classification: Uncertain significance. Last evaluated: 2022-01-27. Review status: criteria provided, single submitter. Criteria: GeneDx Variant Classification Process June 2021. Collection method: clinical testing. Allele origin: germline. Affected: yes.
Comment: Not observed at significant frequency in large population cohorts (gnomAD); De novo variant with confirmed parentage; however, the reported clinical features are only partially consistent with the features typically observed in individuals with pathogenic variants in this gene; In silico analysis supports that this missense variant does not alter protein structure/function; Has not been previously published as pathogenic or benign to our knowledge

NM_015898.4(ZBTB7A):c.499A>G (p.Asn167Asp)

Gene: ZBTB7A (zinc finger and BTB domain containing 7A; minus strand). Cytogenetic location: 19p13.3.
Variant type: single nucleotide variant.
Coding change: c.499A>G on transcript NM_015898.4 (MANE Select); coding-DNA position 499, A replaced by G.
Protein change: p.Asn167Asp; replaces asparagine 167 with aspartic acid.
Molecular consequence: missense variant.
Genome position (GRCh38, 1-based): chr19:4,054,734, T>C on the plus strand (A>G on the coding strand, the complement: ZBTB7A is on the minus strand). VCF-style: chr19-4054734-T-C. GRCh37 (hg19) VCF-style: chr19-4054732-T-C.
Other names: c.499A>G, p.Asn167Asp (NM_001317990.2); short protein forms N167D.
Identifiers: ClinVar variation 1699801 (VCV001699801.2), dbSNP rs2144992969, ClinGen allele CA403367661.